The following is an entry in ClinVar:

ClinVar aggregate classification (germline): Uncertain significance. Review status: criteria provided, multiple submitters, no conflicts (2 of 4 stars). 3 submissions from 3 submitters: Uncertain significance (3). Last evaluated 2022-02-21.

Conditions:
Xanthinuria type II. Also called: Xanthine dehydrogenase and aldehyde oxidase combined deficiency of; XDH and AOX dual deficiency. Identifiers: Orphanet 3467, Orphanet 93602, MedGen C1863688, MONDO:0011346, OMIM 603592.
Hereditary xanthinuria type 1 (XAN1). Identifiers: Orphanet 3467, Orphanet 93601, MedGen C0268118, MONDO:0010209, OMIM 278300.

Allele frequency attached by ClinVar (database versions not stated): ExAC 0.00002; gnomAD 0.00003; gnomAD exomes 0.00003; TOPMed 0.00003.
gnomAD v4.1: 26 of 1,613,512 alleles (0.0016%); highest among the groups gnomAD compares: Non-Finnish European, 0.0019%; no homozygotes.

Submissions (3):

Labcorp Genetics (formerly Invitae), Labcorp
Classification: Uncertain significance for Xanthinuria type II. Last evaluated: 2022-02-21. Review status: criteria provided, single submitter. Criteria: Invitae Variant Classification Sherloc (09022015). Collection method: clinical testing. Allele origin: germline.
Comment: In summary, the available evidence is currently insufficient to determine the role of this variant in disease. Therefore, it has been classified as a Variant of Uncertain Significance. Algorithms developed to predict the effect of missense changes on protein structure and function (SIFT, PolyPhen-2, Align-GVGD) all suggest that this variant is likely to be disruptive. ClinVar contains an entry for this variant (Variation ID: 897065). This variant has not been reported in the literature in individuals affected with XDH-related conditions. This variant is present in population databases (rs750893035, gnomAD 0.007%). This sequence change replaces valine, which is neutral and non-polar, with aspartic acid, which is acidic and polar, at codon 440 of the XDH protein (p.Val440Asp).

Fulgent Genetics
Classification: Uncertain significance for Hereditary xanthinuria type 1. Last evaluated: 2021-09-01. Review status: criteria provided, single submitter. Criteria: ACMG Guidelines, 2015. Collection method: clinical testing. Allele origin: unknown.

Illumina Laboratory Services, Illumina
Classification: Uncertain significance for Hereditary xanthinuria type 1. Last evaluated: 2018-01-12. Review status: criteria provided, single submitter. Criteria: ICSL Variant Classification Criteria 13 December 2019. Collection method: clinical testing. Allele origin: germline.

NM_000379.4(XDH):c.1319T>A (p.Val440Asp)

Gene: XDH (xanthine dehydrogenase; minus strand). Cytogenetic location: 2p23.1.
Variant type: single nucleotide variant.
Coding change: c.1319T>A on transcript NM_000379.4 (MANE Select); coding-DNA position 1319, T replaced by A.
Protein change: p.Val440Asp; replaces valine 440 with aspartic acid.
Molecular consequence: missense variant.
Genome position (GRCh38, 1-based): chr2:31,377,161, A>T on the plus strand (T>A on the coding strand, the complement: XDH is on the minus strand). VCF-style: chr2-31377161-A-T. GRCh37 (hg19) VCF-style: chr2-31600027-A-T.
Other names: short protein forms V440D.
Identifiers: ClinVar variation 897065 (VCV000897065.9), dbSNP rs750893035, ClinGen allele CA1599268.
Genomic context (GRCh38, chr2:31,377,161, plus strand): 5'-GCCATTCCACCATAGCAAAGGGCCAGCTCCTGTACCTCTGTGGTTCCTGGCTTGAATAAA[A>T]CTCTCATGCCACTGGTTACCTTGGCAATGTCATCTTCTCTCCGGGAGGCCTGCTTGAATG-3'
Protein context (NP_000370.2, residues 430-450): DIAKVTSGMR[Val440Asp]LFKPGTTEVQ